The following is an entry in ClinVar:

ClinVar aggregate classification (germline): Uncertain significance. Review status: criteria provided, multiple submitters, no conflicts (2 of 4 stars). 3 submissions from 3 submitters: Uncertain significance (3). Last evaluated 2024-06-04.

Conditions:
Inborn genetic diseases. Identifiers: MedGen C0950123, MeSH D030342.

Allele frequency attached by ClinVar (database versions not stated): TOPMed 0.00005; ExAC 0.00007; 1000 Genomes Project 30x 0.00016; 1000 Genomes Project 0.00020.

Submissions (3):

Blueprint Genetics
Classification: Uncertain significance. Last evaluated: 2024-06-04. Review status: criteria provided, single submitter. Criteria: ACMG Guidelines, 2015. Collection method: clinical testing. Allele origin: germline.

Ambry Genetics
Classification: Uncertain significance for Inborn genetic diseases. Last evaluated: 2024-05-24. Review status: criteria provided, single submitter. Criteria: Ambry Variant Classification Scheme 2023. Collection method: clinical testing. Allele origin: germline.

Labcorp Genetics (formerly Invitae), Labcorp
Classification: Uncertain significance. Last evaluated: 2023-12-07. Review status: criteria provided, single submitter. Criteria: Invitae Variant Classification Sherloc (09022015). Collection method: clinical testing. Allele origin: germline.
Comment: This sequence change replaces arginine, which is basic and polar, with tryptophan, which is neutral and slightly polar, at codon 1163 of the TTLL5 protein (p.Arg1163Trp). This variant is present in population databases (rs199613904, gnomAD 0.08%). This variant has not been reported in the literature in individuals affected with TTLL5-related conditions. ClinVar contains an entry for this variant (Variation ID: 959306). Advanced modeling of protein sequence and biophysical properties (such as structural, functional, and spatial information, amino acid conservation, physicochemical variation, residue mobility, and thermodynamic stability) performed at Invitae indicates that this missense variant is not expected to disrupt TTLL5 protein function with a negative predictive value of 80%. In summary, the available evidence is currently insufficient to determine the role of this variant in disease. Therefore, it has been classified as a Variant of Uncertain Significance.

NM_015072.5(TTLL5):c.3487C>T (p.Arg1163Trp)

Gene: TTLL5 (tubulin tyrosine ligase like 5; plus strand). Cytogenetic location: 14q24.3.
Variant type: single nucleotide variant.
Coding change: c.3487C>T on transcript NM_015072.5 (MANE Select); coding-DNA position 3487, C replaced by T.
Protein change: p.Arg1163Trp; replaces arginine 1163 with tryptophan.
Molecular consequence: missense variant.
Genome position (GRCh38, 1-based): chr14:75,863,827, C>T. VCF-style: chr14-75863827-C-T. GRCh37 (hg19) VCF-style: chr14-76330170-C-T.
Other names: short protein forms R1163W.
Identifiers: ClinVar variation 959306 (VCV000959306.9), dbSNP rs199613904, ClinGen allele CA7280018.